The following is an entry in ClinVar:

NM_000535.7(PMS2):c.705+1G>T

Gene: PMS2 (PMS1 homolog 2, mismatch repair system component; minus strand). Cytogenetic location: 7p22.1.
Variant type: single nucleotide variant.
Coding change: c.705+1G>T on transcript NM_000535.7 (MANE Select); the canonical splice donor site of the intron after coding-DNA position 705, G replaced by T.
Molecular consequence: splice donor variant. On other transcripts: intron variant (9).
Genome position (GRCh38, 1-based): chr7:5,999,107, C>A on the plus strand (G>T on the coding strand, the complement: PMS2 is on the minus strand). VCF-style: chr7-5999107-C-A. GRCh37 (hg19) VCF-style: chr7-6038738-C-A.
Other names: c.387+1G>T (NM_001322008.2, NM_001406902.1, NM_001406883.1 and 4 more transcripts); c.396+1G>T (NM_001406881.1, NM_001406879.1, NM_001322015.2 and 6 more transcripts); c.300+1G>T (NM_001406895.1, NM_001322010.2, NM_001322004.2 and 19 more transcripts); c.132+3346G>T (NM_001406911.1); c.192+109G>T (NM_001406904.1, NM_001406905.1); c.133-1684G>T (NM_001322013.2, NM_001406909.1); c.-229+1G>T (NM_001322012.2, NM_001322011.2); c.369+1G>T (NM_001406885.1); and 6 more.
Identifiers: ClinVar variation 91364 (VCV000091364.14), dbSNP rs267608147, ClinGen allele CA012596.

ClinVar aggregate classification (germline): Likely pathogenic. Review status: reviewed by expert panel (3 of 4 stars). 4 submissions from 4 submitters: Likely pathogenic (1). 3 of the submissions do not count toward it. Last evaluated 2019-06-21.

Conditions:
Hereditary nonpolyposis colorectal neoplasms. Identifiers: MedGen C0009405, MeSH D003123.
Lynch syndrome. Identifiers: Orphanet 144, MedGen C4552100, MONDO:0005835. Disease mechanism: loss of function.
Hereditary cancer-predisposing syndrome. Also called: Tumor predisposition; Hereditary Cancer Syndrome; Hereditary neoplastic syndrome; Neoplastic Syndromes, Hereditary. Identifiers: Orphanet 140162, MedGen C0027672, MeSH D009386, MONDO:0015356.
Lynch syndrome 4 (LYNCH4). Also called: Colorectal cancer, hereditary nonpolyposis, type 4; Hereditary non-polyposis colorectal cancer, type 4. Identifiers: Orphanet 144, MedGen C1838333, MONDO:0013699, OMIM 614337. Disease mechanism: loss of function.

Submissions (4):

International Society for Gastrointestinal Hereditary Tumours (InSiGHT)
Classification: Likely pathogenic for Lynch syndrome. Last evaluated: 2019-06-21. Review status: reviewed by expert panel. Criteria: Guidelines v2.4. Collection method: curation. Allele origin: germline. Affected: yes.
Comment: Interrupts canonical donor splice site

Myriad Genetics, Inc.
Classification: Likely pathogenic for Lynch syndrome 4. Last evaluated: 2023-09-19. Review status: criteria provided, single submitter. Criteria: Myriad Autosomal Dominant, Autosomal Recessive and X-Linked Classification Criteria (2023). Collection method: clinical testing. Allele origin: unknown. Not counted in ClinVar's aggregate classification.
Comment: This variant is considered likely pathogenic. This variant occurs within a consensus splice junction and is predicted to result in abnormal mRNA splicing of either an out-of-frame exon or an in-frame exon necessary for protein stability and/or normal function.

Labcorp Genetics (formerly Invitae), Labcorp
Classification: Pathogenic for Hereditary nonpolyposis colorectal neoplasms. Last evaluated: 2022-08-04. Review status: criteria provided, single submitter. Criteria: Invitae Variant Classification Sherloc (09022015). Collection method: clinical testing. Allele origin: germline. Not counted in ClinVar's aggregate classification.
Comment: For these reasons, this variant has been classified as Pathogenic. Studies have shown that disruption of this splice site is associated with altered splicing resulting in multiple RNA products (PMID: 23629955). This sequence change affects a donor splice site in intron 6 of the PMS2 gene. It is expected to disrupt RNA splicing. Variants that disrupt the donor or acceptor splice site typically lead to a loss of protein function (PMID: 16199547), and loss-of-function variants in PMS2 are known to be pathogenic (PMID: 21376568, 24362816). This variant is not present in population databases (gnomAD no frequency). Disruption of this splice site has been observed in individual(s) with clinical features of Lynch syndrome (PMID: 16619239, 18602922). ClinVar contains an entry for this variant (Variation ID: 91364).

Ambry Genetics
Classification: Likely pathogenic for Hereditary cancer-predisposing syndrome. Last evaluated: 2022-06-15. Review status: criteria provided, single submitter. Criteria: Ambry Variant Classification Scheme 2023. Collection method: clinical testing. Allele origin: germline. Not counted in ClinVar's aggregate classification.
Comment: The c.705+1G>T intronic variant results from a G to T substitution one nucleotide after coding exon 6 of the PMS2 gene. Alterations that disrupt the canonical splice site are expected to result in aberrant splicing. In silico splice site analysis predicts that this alteration will weaken the native splice donor site. RNA studies have demonstrated that this alteration results in abnormal splicing in the set of samples tested (Ambry internal data). The resulting transcript is predicted to be in-frame and is not expected to trigger nonsense-mediated mRNAdecay; however, direct evidence is insufficient at this time (Ambry internal data). The exact functional effect of the altered amino acid sequence is unknown; however, the impacted region is critical for protein function (Ambry internal data). Based on an internal structural analysis, the resulting predicted transcript would substantially disrupt the structure of the PMS2 ATPase domain (Guarn&eacute; A et al. EMBO J, 2001 Oct;20:5521-31; Ambry internal data). In addition, this variant has been identified in probands whose Lynch syndrome-associated tumor demonstrated high microsatellite instability and loss of PMS2 expression by immunohistochemistry (Clendenning M et al. Hum. Mutat., 2006 May;27:490-5; Senter L et al. Gastroenterology, 2008 Aug;135:419-28; Ambry internal data). This variant is considered to be rare based on population cohorts in the Genome Aggregation Database (gnomAD). This nucleotide position is highly conserved in available vertebrate species. Based on the majority of available evidence to date, this variant is likely to be pathogenic.

Literature cited by the submitters: PubMed 23629955 (cited by Labcorp Genetics (formerly Invitae), Labcorp); PubMed 16199547 (cited by Labcorp Genetics (formerly Invitae), Labcorp); PubMed 21376568 (cited by Labcorp Genetics (formerly Invitae), Labcorp); PubMed 24362816 (cited by Labcorp Genetics (formerly Invitae), Labcorp); PubMed 16619239 (cited by Labcorp Genetics (formerly Invitae), Labcorp and Ambry Genetics); PubMed 18602922 (cited by Labcorp Genetics (formerly Invitae), Labcorp and Ambry Genetics).